The following is an entry in ClinVar:

ClinVar aggregate classification (germline): Pathogenic (1 of 4 stars; one submission).

Submission:

Labcorp Genetics (formerly Invitae), Labcorp
Classification: Pathogenic. Last evaluated: 2020-03-18. Review status: criteria provided, single submitter. Criteria: Invitae Variant Classification Sherloc (09022015). Collection method: clinical testing. Allele origin: germline.
Comment: For these reasons, this variant has been classified as Pathogenic. Loss-of-function variants in COL7A1 are known to be pathogenic (PMID: 16971478). This variant has not been reported in the literature in individuals with COL7A1-related conditions. This variant is not present in population databases (ExAC no frequency). This sequence change creates a premature translational stop signal (p.Pro2847Argfs*3) in the COL7A1 gene. It is expected to result in an absent or disrupted protein product.

Literature cited by the submitters: PubMed 16971478.

NM_000094.4(COL7A1):c.8540_8541del (p.Pro2847fs)

Gene: COL7A1 (collagen type VII alpha 1 chain; minus strand). Cytogenetic location: 3p21.31.
Variant type: Deletion.
Coding change: c.8540_8541del on transcript NM_000094.4 (MANE Select); coding-DNA positions 8540 to 8541, 2 bases deleted (CT; older notation c.8540_8541delCT).
Protein change: p.Pro2847fs; shifts the reading frame from proline 2847.
Molecular consequence: frameshift variant.
Genome position (GRCh38, 1-based): chr3:48,565,188-48,565,189, AG deleted on the plus strand (CT on the coding strand, the reverse complement: COL7A1 is on the minus strand). VCF-style (leftmost placement, unchanged base first): chr3-48565187-CAG-C. GRCh37 (hg19) VCF-style: chr3-48602620-CAG-C.
Other names: short protein forms P2847fs.
Identifiers: ClinVar variation 1074612 (VCV001074612.5), dbSNP rs2107626681, ClinGen allele CA2499216812.